The following is an entry in ClinVar:

NM_000143.4(FH):c.102C>A (p.Pro34=)

Gene: FH (fumarate hydratase; minus strand). Cytogenetic location: 1q43.
Variant type: single nucleotide variant.
Coding change: c.102C>A on transcript NM_000143.4 (MANE Select); coding-DNA position 102, C replaced by A.
Protein change: p.Pro34=; no amino-acid change (proline 34 retained).
Molecular consequence: synonymous variant.
Genome position (GRCh38, 1-based): chr1:241,519,621, G>T on the plus strand (C>A on the coding strand, the complement: FH is on the minus strand). VCF-style: chr1-241519621-G-T. GRCh37 (hg19) VCF-style: chr1-241682921-G-T.
Identifiers: ClinVar variation 1770630 (VCV001770630.8), dbSNP rs2527344990, ClinGen allele CA424076773.

ClinVar aggregate classification (germline): Benign/Likely benign. Review status: criteria provided, multiple submitters, no conflicts (2 of 4 stars). 3 submissions from 3 submitters: Benign (1); Likely benign (2). Last evaluated 2024-10-17.

Conditions:
Hereditary leiomyomatosis and renal cell cancer. Also called: MULTIPLE CUTANEOUS AND UTERINE LEIOMYOMATA 1, WITH OR WITHOUT RENAL CELL CARCINOMA; LEIOMYOMA, MULTIPLE CUTANEOUS; Reed syndrome; Multiple cutaneous and uterine leiomyomatosis; Cutaneous leiomyomata with uterine leiomyomata; Leiomyoma, hereditary multiple, of skin. Identifiers: Orphanet 523, MedGen C1708350, MONDO:0007888, OMIM 150800, HP:0007437. Disease mechanism: loss of function.
Hereditary cancer-predisposing syndrome. Also called: Neoplastic Syndromes, Hereditary; Tumor predisposition; Hereditary Cancer Syndrome; Hereditary neoplastic syndrome. Identifiers: Orphanet 140162, MedGen C0027672, MeSH D009386, MONDO:0015356.

Submissions (3):

Myriad Genetics, Inc.
Classification: Benign for Hereditary leiomyomatosis and renal cell cancer. Last evaluated: 2024-10-17. Review status: criteria provided, single submitter. Criteria: Myriad Autosomal Dominant, Autosomal Recessive and X-Linked Classification Criteria (2023). Collection method: clinical testing. Allele origin: unknown.
Comment: This variant is considered benign. This variant is a silent/synonymous amino acid change and it is not expected to impact splicing.

Labcorp Genetics (formerly Invitae), Labcorp
Classification: Likely benign. Last evaluated: 2022-09-22. Review status: criteria provided, single submitter. Criteria: Invitae Variant Classification Sherloc (09022015). Collection method: clinical testing. Allele origin: germline.

Ambry Genetics
Classification: Likely benign for Hereditary cancer-predisposing syndrome. Last evaluated: 2020-02-06. Review status: criteria provided, single submitter. Criteria: Ambry Variant Classification Scheme 2023. Collection method: clinical testing. Allele origin: germline.